The following is an entry in ClinVar:

NM_004656.4(BAP1):c.852del (p.Glu284fs)

Gene: BAP1 (BRCA1 associated deubiquitinase 1; minus strand). Cytogenetic location: 3p21.1.
Variant type: Deletion.
Coding change: c.852del on transcript NM_004656.4 (MANE Select); coding-DNA position 852, one base deleted (G; older notation c.852delG).
Protein change: p.Glu284fs; shifts the reading frame from glutamic acid 284.
Molecular consequence: frameshift variant.
Genome position (GRCh38, 1-based): chr3:52,405,844, C deleted on the plus strand (G on the coding strand, the reverse complement: BAP1 is on the minus strand). VCF-style (leftmost placement, unchanged base first): chr3-52405843-AC-A. GRCh37 (hg19) VCF-style: chr3-52439859-AC-A.
Other names: short protein forms E284fs.
Identifiers: ClinVar variation 854952 (VCV000854952.7), dbSNP rs1705139320, ClinGen allele CA916081435.
Genomic context (GRCh38, chr3:52,405,843, plus strand): 5'-AGGCTGCAGGGGCCCTGTTTGCTTCCAGCACCAGCGGGGACTTGTTGCTGGCTGACTTGG[AC>A]TCCTCAGGCAGCTGTGACTCTTGAGACTTGTGGGTCTGAATCAGCTCTGGCTGTGTTACT-3'

ClinVar aggregate classification (germline): Pathogenic (1 of 4 stars; one submission).

Conditions:
BAP1-related tumor predisposition syndrome (TPDS1). Also called: BAP1 tumor predisposition syndrome; COMMON Syndrome; TUMOR PREDISPOSITION SYNDROME 1; Tumor susceptibility linked to germline BAP1 mutations. Identifiers: Orphanet 289539, MedGen C3280492, MONDO:0013692, OMIM 614327.

Submission:

Labcorp Genetics (formerly Invitae), Labcorp
Classification: Pathogenic for BAP1-related tumor predisposition syndrome. Last evaluated: 2021-07-14. Review status: criteria provided, single submitter. Criteria: Invitae Variant Classification Sherloc (09022015). Collection method: clinical testing. Allele origin: germline.
Comment: This sequence change creates a premature translational stop signal (p.Glu284Aspfs*51) in the BAP1 gene. It is expected to result in an absent or disrupted protein product. This variant is not present in population databases (ExAC no frequency). This variant has not been reported in the literature in individuals with BAP1-related conditions. Loss-of-function variants in BAP1 are known to be pathogenic (PMID: 21874000, 23684012). For these reasons, this variant has been classified as Pathogenic.

Literature cited by the submitters: PubMed 21874000; PubMed 23684012.